The following is an entry in ClinVar:

NM_001039591.3(USP9X):c.6860A>G (p.Lys2287Arg)

Gene: USP9X (ubiquitin specific peptidase 9 X-linked; plus strand). Cytogenetic location: Xp11.4.
Variant type: single nucleotide variant.
Coding change: c.6860A>G on transcript NM_001039591.3 (MANE Select); coding-DNA position 6860, A replaced by G.
Protein change: p.Lys2287Arg; replaces lysine 2287 with arginine.
Molecular consequence: missense variant.
Genome position (GRCh38, 1-based): chrX:41,224,850, A>G. VCF-style: chrX-41224850-A-G. GRCh37 (hg19) VCF-style: chrX-41084103-A-G.
Other names: c.6860A>G, p.Lys2287Arg (NM_001039590.3); c.6875A>G, p.Lys2292Arg (NM_001410748.1, NM_001410749.1); short protein forms K2287R, K2292R.
Identifiers: ClinVar variation 2663546 (VCV002663546.2), dbSNP rs2519399752, ClinGen allele CA412750012.
Genomic context (GRCh38, chrX:41,224,850, plus strand): 5'-CTATAATGCCAATTCAGCAGAATGTGGCAGACATTTTATTTGTGAGAACAAGTTATGTGA[A>G]GAAAATCATTGAAGACTGCAGTAATTCAGAGGAAACCGTCAAATTGCTTCGTTTTTGCTG-3'
Protein context (NP_001034680.2, residues 2277-2297): DILFVRTSYV[Lys2287Arg]KIIEDCSNSE

ClinVar aggregate classification (germline): Uncertain significance (1 of 4 stars; one submission).

Submission:

GeneDx
Classification: Uncertain significance. Last evaluated: 2024-03-12. Review status: criteria provided, single submitter. Criteria: GeneDx Variant Classification Process June 2021. Collection method: clinical testing. Allele origin: germline.
Comment: Not observed at significant frequency in large population cohorts (gnomAD); In silico analysis supports that this missense variant does not alter protein structure/function; Has not been previously published as pathogenic or benign to our knowledge